The following is an entry in ClinVar:

NM_000038.6(APC):c.2707G>A (p.Asp903Asn)

Gene: APC (APC regulator of Wnt signaling pathway; plus strand). Cytogenetic location: 5q22.2.
Variant type: single nucleotide variant.
Coding change: c.2707G>A on transcript NM_000038.6 (MANE Select); coding-DNA position 2707, G replaced by A.
Protein change: p.Asp903Asn; replaces aspartic acid 903 with asparagine.
Molecular consequence: missense variant.
Genome position (GRCh38, 1-based): chr5:112,838,301, G>A. VCF-style: chr5-112838301-G-A. GRCh37 (hg19) VCF-style: chr5-112173998-G-A.
Other names: c.2707G>A, p.Asp903Asn (NM_001127510.3, NM_001354895.2); c.2653G>A, p.Asp885Asn (NM_001127511.3); c.2761G>A, p.Asp921Asn (NM_001354896.2); c.2737G>A, p.Asp913Asn (NM_001354897.2); c.2632G>A, p.Asp878Asn (NM_001354898.2); c.2623G>A, p.Asp875Asn (NM_001354899.2); c.2584G>A, p.Asp862Asn (NM_001354900.2); c.2530G>A, p.Asp844Asn (NM_001354901.2); and 5 more; short protein forms D885N, D903N, D844N, D875N, D913N, D921N, D620N, D743N.
Identifiers: ClinVar variation 632638 (VCV000632638.2), dbSNP rs587782610, ClinGen allele CA16027239.
Genomic context (GRCh38, chr5:112,838,301, plus strand): 5'-ACTGCAGCCCAGATTGCCAAAGTCATGGAAGAAGTGTCAGCCATTCATACCTCTCAGGAA[G>A]ACAGAAGTTCTGGGTCTACCACTGAATTACATTGTGTGACAGATGAGAGAAATGCACTTA-3'
Protein context (NP_000029.2, residues 893-913): EVSAIHTSQE[Asp903Asn]RSSGSTTELH

ClinVar aggregate classification (germline): Uncertain significance. Review status: criteria provided, multiple submitters, no conflicts (2 of 4 stars). 2 submissions from 2 submitters: Uncertain significance (2). Last evaluated 2024-04-11.

Conditions:
Hereditary cancer-predisposing syndrome. Also called: Tumor predisposition; Neoplastic Syndromes, Hereditary; Hereditary neoplastic syndrome; Hereditary Cancer Syndrome. Identifiers: Orphanet 140162, MedGen C0027672, MeSH D009386, MONDO:0015356.

Submissions (2):

Ambry Genetics
Classification: Uncertain significance for Hereditary cancer-predisposing syndrome. Last evaluated: 2024-04-11. Review status: criteria provided, single submitter. Criteria: Ambry Variant Classification Scheme 2023. Collection method: clinical testing. Allele origin: germline.
Comment: The p.D903N variant (also known as c.2707G>A), located in coding exon 15 of the APC gene, results from a G to A substitution at nucleotide position 2707. The aspartic acid at codon 903 is replaced by asparagine, an amino acid with highly similar properties. This amino acid position is conserved. In addition, in silico predictors for this gene do not accurately predict pathogenicity. Based on the available evidence, the clinical significance of this variant remains unclear.

Women's Health and Genetics/Laboratory Corporation of America, LabCorp
Classification: Uncertain significance. Last evaluated: 2018-07-09. Review status: criteria provided, single submitter. Criteria: LabCorp Variant Classification Summary - May 2015. Collection method: clinical testing. Allele origin: germline.
Comment: Variant summary: APC c.2707G>A (p.Asp903Asn) results in a conservative amino acid change in the encoded protein sequence. Three of five in-silico tools predict a benign effect of the variant on protein function. The variant was absent in 245736 control chromosomes. The available data on variant occurrences in the general population are insufficient to allow any conclusion about variant significance. To our knowledge, no occurrence of c.2707G>A in individuals affected with Familial Adenomatous Polyposis and no experimental evidence demonstrating its impact on protein function have been reported. No clinical diagnostic laboratories have submitted clinical-significance assessments for this variant to ClinVar after 2014. Based on the evidence outlined above, the variant was classified as uncertain significance.